The following is an entry in ClinVar:

ClinVar aggregate classification (germline): Pathogenic (1 of 4 stars; one submission).

Conditions:
Hereditary diffuse gastric adenocarcinoma (HDGC). Also called: DIFFUSE GASTRIC AND LOBULAR BREAST CANCER SYNDROME. Identifiers: Orphanet 26106, MedGen C1708349, MONDO:0007648, OMIM 137215.

Submission:

Myriad Genetics, Inc.
Classification: Pathogenic for Hereditary diffuse gastric adenocarcinoma. Last evaluated: 2024-07-03. Review status: criteria provided, single submitter. Criteria: Myriad Autosomal Dominant, Autosomal Recessive and X-Linked Classification Criteria (2023). Collection method: clinical testing. Allele origin: unknown.
Comment: This variant is considered pathogenic. This variant creates a frameshift predicted to result in premature protein truncation.

NM_001903.5(CTNNA1):c.1598dup (p.Asp534fs)

Gene: CTNNA1 (catenin alpha 1; plus strand). Cytogenetic location: 5q31.2.
Variant type: Duplication.
Coding change: c.1598dup on transcript NM_001903.5 (MANE Select); coding-DNA position 1598, one base duplicated (A; older notation c.1598dupA).
Protein change: p.Asp534fs; shifts the reading frame from aspartic acid 534.
Molecular consequence: frameshift variant.
Genome position (GRCh38, 1-based): chr5:138,924,561, A duplicated; the last of 2 consecutive A bases (chr5:138,924,560-138,924,561); duplicating either gives the same sequence. VCF-style (leftmost placement, unchanged base first): chr5-138924559-G-GA. GRCh37 (hg19) VCF-style: chr5-138260248-G-GA.
Other names: c.488dup, p.Asp164fs (NM_001290312.1, NM_001323987.1, NM_001323988.1 and 17 more transcripts); c.1598dup, p.Asp534fs (NM_001323982.2, NM_001323983.1, NM_001323984.2 and 2 more transcripts); c.1505dup, p.Asp503fs (NM_001323986.2); c.149dup, p.Asp51fs (NM_001324006.1, NM_001324007.1, NM_001324008.1 and 2 more transcripts); c.395dup, p.Asp133fs (NM_001324011.1); c.245dup, p.Asp83fs (NM_001324012.1, NM_001324013.1); c.1289dup, p.Asp431fs (NM_001290309.3); c.1229dup, p.Asp411fs (NM_001290310.3); short protein forms D133fs, D164fs, D411fs, D431fs, D503fs, D51fs, D534fs, D83fs.
Identifiers: ClinVar variation 3379234 (VCV003379234.1).